The following is an entry in ClinVar:

ClinVar aggregate classification (germline): Uncertain significance (1 of 4 stars; one submission).

Submission:

Labcorp Genetics (formerly Invitae), Labcorp
Classification: Uncertain significance. Last evaluated: 2022-02-04. Review status: criteria provided, single submitter. Criteria: Invitae Variant Classification Sherloc (09022015). Collection method: clinical testing. Allele origin: germline.
Comment: Algorithms developed to predict the effect of missense changes on protein structure and function (SIFT, PolyPhen-2, Align-GVGD) all suggest that this variant is likely to be tolerated. In summary, the available evidence is currently insufficient to determine the role of this variant in disease. Therefore, it has been classified as a Variant of Uncertain Significance. This variant has not been reported in the literature in individuals affected with SKIV2L-related conditions. This variant is not present in population databases (gnomAD no frequency). This sequence change replaces serine, which is neutral and polar, with glycine, which is neutral and non-polar, at codon 248 of the SKIV2L protein (p.Ser248Gly).

NM_006929.5(SKIC2):c.742A>G (p.Ser248Gly)

Gene: SKIC2 (SKI2 subunit of superkiller complex; plus strand). Cytogenetic location: 6p21.33.
Variant type: single nucleotide variant.
Coding change: c.742A>G on transcript NM_006929.5 (MANE Select); coding-DNA position 742, A replaced by G.
Protein change: p.Ser248Gly; replaces serine 248 with glycine.
Molecular consequence: missense variant.
Genome position (GRCh38, 1-based): chr6:31,961,339, A>G. VCF-style: chr6-31961339-A-G. GRCh37 (hg19) VCF-style: chr6-31929116-A-G.
Other names: short protein forms S248G.
Identifiers: ClinVar variation 2092826 (VCV002092826.4), dbSNP rs2482905451, ClinGen allele CA363444734.